The following is an entry in ClinVar:

NM_001375380.1(EBF3):c.982C>T (p.Leu328Phe)

Genes: EBF3 (EBF transcription factor 3; minus strand), EBF3-AS1 (EBF3 antisense RNA 1; plus strand). Cytogenetic location: 10q26.3.
Variant type: single nucleotide variant.
Coding change: c.982C>T on transcript NM_001375380.1 (MANE Select); coding-DNA position 982, C replaced by T.
Protein change: p.Leu328Phe; replaces leucine 328 with phenylalanine.
Molecular consequence: missense variant.
Genome position (GRCh38, 1-based): chr10:129,867,198, G>A on the plus strand (C>T on the coding strand, the complement: EBF3 is on the minus strand). VCF-style: chr10-129867198-G-A. GRCh37 (hg19) VCF-style: chr10-131665462-G-A.
Other names: c.955C>T, p.Leu319Phe (NM_001005463.3, NM_001375390.1, NM_001375392.1); c.982C>T, p.Leu328Phe (NM_001375379.1, NM_001375389.1, NM_001375391.1); short protein forms L319F, L328F.
Identifiers: ClinVar variation 2504454 (VCV002504454.1), dbSNP rs1852083236, ClinGen allele CA378724958.

ClinVar aggregate classification (germline): Uncertain significance (1 of 4 stars; one submission).

Allele frequency attached by ClinVar (database versions not stated): TOPMed below 0.00001.

Submission:

GeneDx
Classification: Uncertain significance. Last evaluated: 2022-12-02. Review status: criteria provided, single submitter. Criteria: GeneDx Variant Classification Process June 2021. Collection method: clinical testing. Allele origin: germline. Affected: yes.
Comment: Not observed at significant frequency in large population cohorts (gnomAD); In silico analysis supports that this missense variant has a deleterious effect on protein structure/function; Has not been previously published as pathogenic or benign to our knowledge